The following is an entry in ClinVar:

ClinVar aggregate classification (germline): Uncertain significance. Review status: criteria provided, multiple submitters, no conflicts (2 of 4 stars). 2 submissions from 2 submitters: Uncertain significance (2). Last evaluated 2025-12-18.

Conditions:
Adams-Oliver syndrome 5 (AOS5). Identifiers: Orphanet 974, MedGen C4014970, MONDO:0014459, OMIM 616028.

Allele frequency attached by ClinVar (database versions not stated): gnomAD exomes below 0.00001.
gnomAD v4.1: 1 of 1,613,166 alleles (0.000062%); highest among the groups gnomAD compares: Non-Finnish European, 0.000085%; no homozygotes.

Submissions (2):

Labcorp Genetics (formerly Invitae), Labcorp
Classification: Uncertain significance for Adams-Oliver syndrome 5. Last evaluated: 2025-12-18. Review status: criteria provided, single submitter. Criteria: Invitae Variant Classification Sherloc (09022015). Collection method: clinical testing. Allele origin: germline.
Comment: This sequence change replaces glutamine, which is neutral and polar, with histidine, which is basic and polar, at codon 2366 of the NOTCH1 protein (p.Gln2366His). This variant is not present in population databases (gnomAD no frequency). This variant has not been reported in the literature in individuals affected with NOTCH1-related conditions. ClinVar contains an entry for this variant (Variation ID: 2673206). Invitae Evidence Modeling of protein sequence and biophysical properties (such as structural, functional, and spatial information, amino acid conservation, physicochemical variation, residue mobility, and thermodynamic stability) indicates that this missense variant is not expected to disrupt NOTCH1 protein function with a negative predictive value of 95%. In summary, the available evidence is currently insufficient to determine the role of this variant in disease. Therefore, it has been classified as a Variant of Uncertain Significance.

CeGaT Center for Human Genetics Tuebingen
Classification: Uncertain significance. Last evaluated: 2023-11-01. Review status: criteria provided, single submitter. Criteria: CeGaT Center For Human Genetics Tuebingen Variant Classification Criteria Version 2. Collection method: clinical testing. Allele origin: germline. Affected: yes. Observed: 1 variant allele.
Comment: NOTCH1: PM2, BP4

NM_017617.5(NOTCH1):c.7098G>C (p.Gln2366His)

Gene: NOTCH1 (notch receptor 1; minus strand). Cytogenetic location: 9q34.3.
Variant type: single nucleotide variant.
Coding change: c.7098G>C on transcript NM_017617.5 (MANE Select); coding-DNA position 7098, G replaced by C.
Protein change: p.Gln2366His; replaces glutamine 2366 with histidine.
Molecular consequence: missense variant.
Genome position (GRCh38, 1-based): chr9:136,496,641, C>G on the plus strand (G>C on the coding strand, the complement: NOTCH1 is on the minus strand). VCF-style: chr9-136496641-C-G. GRCh37 (hg19) VCF-style: chr9-139391093-C-G.
Other names: short protein forms Q2366H.
Identifiers: ClinVar variation 2673206 (VCV002673206.24), dbSNP rs2540421103, ClinGen allele CA375628847.